The following is an entry in ClinVar:

ClinVar aggregate classification (germline): Pathogenic (1 of 4 stars; one submission).

Conditions:
Neuropathy, hereditary sensory and autonomic, type 2A (HSAN2A). Also called: HSAN IIA; WNK1-Related HSAN2 (HSAN2A); ACROOSTEOLYSIS, GIACCAI TYPE; ACROOSTEOLYSIS, NEUROGENIC; MORVAN DISEASE; NEUROPATHY, CONGENITAL SENSORY. Identifiers: Orphanet 970, MedGen C2752089, MONDO:0024309, OMIM 201300.
Pseudohypoaldosteronism type 2C (PHA2C). Also called: Pseudohypoaldosteronism Type IIC. Identifiers: Orphanet 757, Orphanet 88940, MedGen C1840391, MONDO:0013778, OMIM 614492.

Submission:

Labcorp Genetics (formerly Invitae), Labcorp
Classification: Pathogenic for Neuropathy, hereditary sensory and autonomic, type 2A; Pseudohypoaldosteronism type 2C. Last evaluated: 2023-12-29. Review status: criteria provided, single submitter. Criteria: Invitae Variant Classification Sherloc (09022015). Collection method: clinical testing. Allele origin: germline.
Comment: This sequence change creates a premature translational stop signal (p.Thr1573Serfs*6) in the WNK1 gene. It is expected to result in an absent or disrupted protein product. Loss-of-function variants in WNK1 are known to be pathogenic (PMID: 22910560). This variant is not present in population databases (gnomAD no frequency). This variant has not been reported in the literature in individuals affected with WNK1-related conditions. For these reasons, this variant has been classified as Pathogenic.

Literature cited by the submitters: PubMed 22910560.

NM_018979.4(WNK1):c.3962_3963del (p.Thr1321fs)

Gene: WNK1 (WNK lysine deficient protein kinase 1; plus strand). Cytogenetic location: 12p13.33.
Variant type: Microsatellite.
Coding change: c.3962_3963del on transcript NM_018979.4 (MANE Select); coding-DNA positions 3962 to 3963, 2 bases deleted (CA; older notation c.3962_3963delCA).
Protein change: p.Thr1321fs; shifts the reading frame from threonine 1321.
Molecular consequence: frameshift variant.
Genome position (GRCh38, 1-based): chr12:884,766-884,767, CA deleted; deleting any 2 consecutive bases within chr12:884,763-884,767 gives the same sequence; the c. name uses the placement nearest the transcript's 3' end. VCF-style (leftmost placement, unchanged base first): chr12-884762-AAC-A. GRCh37 (hg19) VCF-style: chr12-993928-AAC-A.
Other names: c.4742_4743del, p.Thr1581fs (NM_001184985.2); c.3221_3222del, p.Thr1074fs (NM_014823.3); c.4718_4719del, p.Thr1573fs (NM_213655.5); short protein forms T1321fs, T1573fs, T1074fs, T1581fs.
Identifiers: ClinVar variation 2921775 (VCV002921775.3), dbSNP rs2549039238, ClinGen allele CA2740092303.